The following is an entry in ClinVar:

ClinVar aggregate classification (germline): Uncertain significance. Review status: criteria provided, multiple submitters, no conflicts (2 of 4 stars). 2 submissions from 2 submitters: Uncertain significance (2). Last evaluated 2026-02-24.

Conditions:
Inborn genetic diseases. Identifiers: MedGen C0950123, MeSH D030342.

Allele frequency attached by ClinVar (database versions not stated): gnomAD exomes below 0.00001; ExAC 0.00001; gnomAD 0.00001; TOPMed 0.00002.
gnomAD v4.1: 5 of 1,614,074 alleles (0.00031%); highest among the groups gnomAD compares: Non-Finnish European, 0.00034%; no homozygotes.

Submissions (2):

Ambry Genetics
Classification: Uncertain significance for Inborn genetic diseases. Last evaluated: 2026-02-24. Review status: criteria provided, single submitter. Criteria: Ambry Variant Classification Scheme 2023. Collection method: clinical testing. Allele origin: germline.

Labcorp Genetics (formerly Invitae), Labcorp
Classification: Uncertain significance. Last evaluated: 2023-01-19. Review status: criteria provided, single submitter. Criteria: Invitae Variant Classification Sherloc (09022015). Collection method: clinical testing. Allele origin: germline.
Comment: In summary, the available evidence is currently insufficient to determine the role of this variant in disease. Therefore, it has been classified as a Variant of Uncertain Significance. Advanced modeling of protein sequence and biophysical properties (such as structural, functional, and spatial information, amino acid conservation, physicochemical variation, residue mobility, and thermodynamic stability) performed at Invitae indicates that this missense variant is not expected to disrupt EFTUD2 protein function. This variant has not been reported in the literature in individuals affected with EFTUD2-related conditions. This variant is present in population databases (rs763620368, gnomAD 0.0009%). This sequence change replaces valine, which is neutral and non-polar, with isoleucine, which is neutral and non-polar, at codon 816 of the EFTUD2 protein (p.Val816Ile).

NM_004247.4(EFTUD2):c.2446G>A (p.Val816Ile)

Gene: EFTUD2 (elongation factor Tu GTP binding domain containing 2; minus strand). Cytogenetic location: 17q21.31.
Variant type: single nucleotide variant.
Coding change: c.2446G>A on transcript NM_004247.4 (MANE Select); coding-DNA position 2446, G replaced by A.
Protein change: p.Val816Ile; replaces valine 816 with isoleucine.
Molecular consequence: missense variant.
Genome position (GRCh38, 1-based): chr17:44,853,537, C>T on the plus strand (G>A on the coding strand, the complement: EFTUD2 is on the minus strand). VCF-style: chr17-44853537-C-T. GRCh37 (hg19) VCF-style: chr17-42930905-C-T.
Other names: c.2446G>A (NM_004247.3); c.2341G>A, p.Val781Ile (NM_001142605.2); c.2446G>A, p.Val816Ile (NM_001258353.2); c.2416G>A, p.Val806Ile (NM_001258354.2); short protein forms V816I, V781I, V806I.
Identifiers: ClinVar variation 2960957 (VCV002960957.4), dbSNP rs763620368, ClinGen allele CA8607478.